The following is an entry in ClinVar:

ClinVar aggregate classification (germline): Uncertain significance (1 of 4 stars; one submission).

Conditions:
Walker-Warburg congenital muscular dystrophy. Also called: Muscular dystrophy-dystroglycanopathy, type A; Walker-Warburg syndrome. Identifiers: Orphanet 899, MedGen C0265221, MONDO:0000171.

Allele frequency attached by ClinVar (database versions not stated): gnomAD exomes below 0.00001.
gnomAD v4.1: 2 of 1,565,198 alleles (0.00013%); highest among the groups gnomAD compares: Admixed American, 0.0019%; no homozygotes.

Submission:

Labcorp Genetics (formerly Invitae), Labcorp
Classification: Uncertain significance for Walker-Warburg congenital muscular dystrophy. Last evaluated: 2022-06-13. Review status: criteria provided, single submitter. Criteria: Invitae Variant Classification Sherloc (09022015). Collection method: clinical testing. Allele origin: germline.
Comment: In summary, the available evidence is currently insufficient to determine the role of this variant in disease. Therefore, it has been classified as a Variant of Uncertain Significance. Algorithms developed to predict the effect of missense changes on protein structure and function are either unavailable or do not agree on the potential impact of this missense change (SIFT: "Deleterious"; PolyPhen-2: "Probably Damaging"; Align-GVGD: "Class C0"). This variant has not been reported in the literature in individuals affected with FKRP-related conditions. This variant is not present in population databases (gnomAD no frequency). This sequence change replaces arginine, which is basic and polar, with histidine, which is basic and polar, at codon 312 of the FKRP protein (p.Arg312His).

NM_024301.5(FKRP):c.935G>A (p.Arg312His)

Gene: FKRP (fukutin related protein; plus strand). Cytogenetic location: 19q13.32.
Variant type: single nucleotide variant.
Coding change: c.935G>A on transcript NM_024301.5 (MANE Select); coding-DNA position 935, G replaced by A.
Protein change: p.Arg312His; replaces arginine 312 with histidine.
Molecular consequence: missense variant.
Genome position (GRCh38, 1-based): chr19:46,756,385, G>A. VCF-style: chr19-46756385-G-A. GRCh37 (hg19) VCF-style: chr19-47259642-G-A.
Other names: c.935G>A, p.Arg312His (NM_001039885.3); short protein forms R312H.
Identifiers: ClinVar variation 2051550 (VCV002051550.4), dbSNP rs868138875, ClinGen allele CA406496316.
Genomic context (GRCh38, chr19:46,756,385, plus strand): 5'-AGACCACGCGCTGCTTCGGAACCGTGGTGGGCGACACGCCCGCCTACCTCTACGAGGAGC[G>A]CTGGACGCCCCCCTGCTGCCTGCGCGCGCTGCGCGAGACCGCCCGCTATGTGGTGGGCGT-3'
Protein context (NP_077277.1, residues 302-322): GDTPAYLYEE[Arg312His]WTPPCCLRAL